The following is an entry in ClinVar:

NM_001005273.3(CHD3):c.1105G>C (p.Glu369Gln)

Genes: CHD3 (chromodomain helicase DNA binding protein 3; plus strand), LOC126862484 (CDK7 strongly-dependent group 2 enhancer GRCh37_chr17:7797066-7798265; plus strand). Cytogenetic location: 17p13.1.
Variant type: single nucleotide variant.
Coding change: c.1105G>C on transcript NM_001005273.3 (MANE Select); coding-DNA position 1105, G replaced by C.
Protein change: p.Glu369Gln; replaces glutamic acid 369 with glutamine.
Molecular consequence: missense variant.
Genome position (GRCh38, 1-based): chr17:7,894,444, G>C. VCF-style: chr17-7894444-G-C. GRCh37 (hg19) VCF-style: chr17-7797762-G-C.
Other names: c.1282G>C, p.Glu428Gln (NM_001005271.3); c.1105G>C, p.Glu369Gln (NM_005852.4); short protein forms E369Q, E428Q.
Identifiers: ClinVar variation 3895701 (VCV003895701.1).
Genomic context (GRCh38, chr17:7,894,444, plus strand): 5'-TTCCTTATCCCTCCACCGGGGTATATGACAGTCCTGGGCTGTCCTGCAGTGGCCGGGGAG[G>C]AGGAGGTTGATGGCTACGAGACGGATCACCAGGATTACTGTGAGGTGTGCCAGCAGGGTG-3'
Protein context (NP_001005273.1, residues 359-379): VLGCPAVAGE[Glu369Gln]EVDGYETDHQ

ClinVar aggregate classification (germline): Uncertain significance (1 of 4 stars; one submission).

gnomAD v4.1: 39 of 1,613,878 alleles (0.0024%); highest among the groups gnomAD compares: Non-Finnish European, 0.0032%; no homozygotes.

Submission:

Women's Health and Genetics/Laboratory Corporation of America, LabCorp
Classification: Uncertain significance. Last evaluated: 2025-03-12. Review status: criteria provided, single submitter. Criteria: LabCorp Variant Classification Summary - May 2015. Collection method: clinical testing. Allele origin: germline.
Comment: Variant summary: CHD3 c.1105G>C (p.Glu369Gln) results in a conservative amino acid change in the encoded protein sequence. Three of five in-silico tools predict a benign effect of the variant on protein function. The variant was absent in 251096 control chromosomes. The available data on variant occurrences in the general population are insufficient to allow any conclusion about variant significance. To our knowledge, no occurrence of c.1105G>C in individuals affected with Snijders Blok-Campeau Syndrome and no experimental evidence demonstrating its impact on protein function have been reported. No submitters have cited clinical-significance assessments for this variant to ClinVar. Based on the evidence outlined above, the variant was classified as uncertain significance.